The following is an entry in ClinVar:

NM_006231.4(POLE):c.5382C>G (p.Ile1794Met)

Gene: POLE (DNA polymerase epsilon, catalytic subunit; minus strand). Cytogenetic location: 12q24.33.
Variant type: single nucleotide variant.
Coding change: c.5382C>G on transcript NM_006231.4 (MANE Select); coding-DNA position 5382, C replaced by G.
Protein change: p.Ile1794Met; replaces isoleucine 1794 with methionine.
Molecular consequence: missense variant.
Genome position (GRCh38, 1-based): chr12:132,639,295, G>C on the plus strand (C>G on the coding strand, the complement: POLE is on the minus strand). VCF-style: chr12-132639295-G-C. GRCh37 (hg19) VCF-style: chr12-133215881-G-C.
Other names: short protein forms I1794M.
Identifiers: ClinVar variation 240556 (VCV000240556.19), dbSNP rs368364666, ClinGen allele CA6892532.

ClinVar aggregate classification (germline): Conflicting classifications of pathogenicity. Review status: criteria provided, conflicting classifications (1 of 4 stars). 6 submissions from 6 submitters: Uncertain significance (3); Likely benign (3). Last evaluated 2026-01-19.

Conditions:
Colorectal cancer, susceptibility to, 12 (CRCS12). Also called: COLORECTAL CANCER, SUSCEPTIBILITY TO, ON CHROMOSOME 12q24. Identifiers: Orphanet 220460, MedGen C3554460, MONDO:0014038, OMIM 615083.
Facial dysmorphism-immunodeficiency-livedo-short stature syndrome. Also called: Facial dysmorphism, immunodeficiency, livedo, and short stature; FILS syndrome. Identifiers: Orphanet 352712, MedGen C3554576, MONDO:0014058, OMIM 615139.
Hereditary cancer-predisposing syndrome. Also called: Tumor predisposition; Neoplastic Syndromes, Hereditary; Hereditary Cancer Syndrome; Hereditary neoplastic syndrome. Identifiers: Orphanet 140162, MedGen C0027672, MeSH D009386, MONDO:0015356.

Allele frequency attached by ClinVar (database versions not stated): gnomAD 0.00002 and 0.00003; TOPMed 0.00003; gnomAD exomes 0.00004 and 0.00008; ExAC 0.00007; ESP Exome Variant Server 0.00008.
gnomAD v4.1: 61 of 1,613,660 alleles (0.0038%); highest among the groups gnomAD compares: Non-Finnish European, 0.00068%; no homozygotes.

Submissions (6):

Labcorp Genetics (formerly Invitae), Labcorp
Classification: Likely benign. Last evaluated: 2026-01-19. Review status: criteria provided, single submitter. Criteria: Invitae Variant Classification Sherloc (09022015). Collection method: clinical testing. Allele origin: germline.

Ambry Genetics
Classification: Uncertain significance for Hereditary cancer-predisposing syndrome. Last evaluated: 2024-12-04. Review status: criteria provided, single submitter. Criteria: Ambry Variant Classification Scheme 2023. Collection method: clinical testing. Allele origin: germline.
Comment: The p.I1794M variant (also known as c.5382C>G), located in coding exon 40 of the POLE gene, results from a C to G substitution at nucleotide position 5382. The isoleucine at codon 1794 is replaced by methionine, an amino acid with highly similar properties. This amino acid position is well conserved in available vertebrate species. In addition, the in silico prediction for this alteration is inconclusive. Based on the available evidence, the clinical significance of this variant remains unclear.

Sema4
Classification: Likely benign for Hereditary cancer-predisposing syndrome. Last evaluated: 2020-12-29. Review status: criteria provided, single submitter. Criteria: Sema4 Curation Guidelines. Collection method: curation. Allele origin: germline.

Fulgent Genetics
Classification: Uncertain significance for Colorectal cancer, susceptibility to, 12; Facial dysmorphism-immunodeficiency-livedo-short stature syndrome. Last evaluated: 2018-10-31. Review status: criteria provided, single submitter. Criteria: ACMG Guidelines, 2015. Collection method: clinical testing. Allele origin: unknown.

GeneDx
Classification: Likely benign. Last evaluated: 2018-03-29. Review status: criteria provided, single submitter. Criteria: GeneDx Variant Classification (06012015). Collection method: clinical testing. Allele origin: germline. Affected: yes.
Comment: This variant is considered likely benign or benign based on one or more of the following criteria: it is a conservative change, it occurs at a poorly conserved position in the protein, it is predicted to be benign by multiple in silico algorithms, and/or has population frequency not consistent with disease.

Laboratory for Molecular Medicine, Mass General Brigham Personalized Medicine
Classification: Uncertain significance. Last evaluated: 2016-11-15. Review status: criteria provided, single submitter. Criteria: LMM Criteria. Collection method: clinical testing. Allele origin: germline. Observed: 1 variant allele.
Comment: The p.Ile1794Met variant in POLE has not been previously reported in individuals with colorectal cancer but has been identified in 8/66456 of European chromosom es by the Exome Aggregation Consortium (ExAC; db SNP rs368364666). Computational prediction tools and conservation analysis do n ot provide strong support for or against an impact to the protein. In summary, t he clinical significance of the p.Ile1794Met variant is uncertain.